The following is an entry in ClinVar:

ClinVar aggregate classification (germline): Uncertain significance (1 of 4 stars; one submission).

Conditions:
Hereditary breast ovarian cancer syndrome. Also called: Hereditary breast and ovarian cancer; BRCA1- and BRCA2-Associated Hereditary Breast and Ovarian Cancer; Hereditary breast and ovarian cancer syndrome; Breast and ovarian cancer; Hereditary breast and ovarian cancer syndrome (HBOC); Hereditary breast and/or ovarian cancer syndrome. Identifiers: Orphanet 145, MedGen C0677776, MeSH D061325, MONDO:0003582. Disease mechanism: loss of function.

Submission:

Labcorp Genetics (formerly Invitae), Labcorp
Classification: Uncertain significance for Hereditary breast ovarian cancer syndrome. Last evaluated: 2022-12-13. Review status: criteria provided, single submitter. Criteria: Invitae Variant Classification Sherloc (09022015). Collection method: clinical testing. Allele origin: germline.
Comment: In summary, the available evidence is currently insufficient to determine the role of this variant in disease. Therefore, it has been classified as a Variant of Uncertain Significance. Advanced modeling of protein sequence and biophysical properties (such as structural, functional, and spatial information, amino acid conservation, physicochemical variation, residue mobility, and thermodynamic stability) performed at Invitae indicates that this missense variant is not expected to disrupt BRCA1 protein function. This variant has not been reported in the literature in individuals affected with BRCA1-related conditions. This variant is not present in population databases (gnomAD no frequency). This sequence change replaces glycine, which is neutral and non-polar, with arginine, which is basic and polar, at codon 1422 of the BRCA1 protein (p.Gly1422Arg).

NM_007294.4(BRCA1):c.4264G>A (p.Gly1422Arg)

Gene: BRCA1 (BRCA1 DNA repair associated; minus strand). Cytogenetic location: 17q21.31.
Variant type: single nucleotide variant.
Coding change: c.4264G>A on transcript NM_007294.4 (MANE Select); coding-DNA position 4264, G replaced by A.
Protein change: p.Gly1422Arg; replaces glycine 1422 with arginine.
Molecular consequence: missense variant.
Genome position (GRCh38, 1-based): chr17:43,082,497, C>T on the plus strand (G>A on the coding strand, the complement: BRCA1 is on the minus strand). VCF-style: chr17-43082497-C-T. GRCh37 (hg19) VCF-style: chr17-41234514-C-T.
Other names: c.829G>A, p.Gly277Arg (NM_001408445.1, NM_001408446.1, NM_001408447.1 and 10 more transcripts); c.820G>A, p.Gly274Arg (NM_001408451.1); c.814G>A, p.Gly272Arg (NM_001408452.1, NM_001408453.1, NM_001408454.1 and 8 more transcripts); c.811G>A, p.Gly271Arg (NM_001408463.1, NM_001408464.1, NM_001408465.1 and 5 more transcripts); c.4051G>A, p.Gly1351Arg (NM_001407571.1, NM_001407853.1, NM_001407894.1 and 12 more transcripts); c.4264G>A, p.Gly1422Arg (NM_001407581.1, NM_001407582.1, NM_001407583.1 and 23 more transcripts); c.4261G>A, p.Gly1421Arg (NM_001407587.1, NM_001407590.1, NM_001407591.1 and 21 more transcripts); c.4258G>A, p.Gly1420Arg (NM_001407627.1, NM_001407628.1, NM_001407629.1 and 5 more transcripts); and 51 more; short protein forms G1373R, G1396R, G1418R, G209R, G230R, G231R, G239R, G270R.
Identifiers: ClinVar variation 2820578 (VCV002820578.3), dbSNP rs2154154330, ClinGen allele CA10593195.